The following is an entry in ClinVar:

ClinVar aggregate classification (germline): Uncertain significance (1 of 4 stars; one submission).

Conditions:
Idiopathic Pulmonary Fibrosis. Also called: Idiopathic fibrosing alveolitis, chronic form; idiopathic fibrosing alveolitis. Identifiers: Orphanet 2032, MedGen C1800706, MeSH D054990, MONDO:0800504.
Dyskeratosis congenita, autosomal dominant 2. Identifiers: MedGen C3151443, MONDO:0013521, OMIM 613989.

Submission:

Labcorp Genetics (formerly Invitae), Labcorp
Classification: Uncertain significance for Dyskeratosis congenita, autosomal dominant 2; Idiopathic Pulmonary Fibrosis. Last evaluated: 2022-05-18. Review status: criteria provided, single submitter. Criteria: Invitae Variant Classification Sherloc (09022015). Collection method: clinical testing. Allele origin: germline.
Comment: This sequence change replaces glutamine, which is neutral and polar, with arginine, which is basic and polar, at codon 1100 of the TERT protein (p.Gln1100Arg). This variant is not present in population databases (gnomAD no frequency). This variant has not been reported in the literature in individuals affected with TERT-related conditions. Advanced modeling of protein sequence and biophysical properties (such as structural, functional, and spatial information, amino acid conservation, physicochemical variation, residue mobility, and thermodynamic stability) performed at Invitae indicates that this missense variant is not expected to disrupt TERT protein function. Algorithms developed to predict the effect of sequence changes on RNA splicing suggest that this variant may disrupt the consensus splice site. In summary, the available evidence is currently insufficient to determine the role of this variant in disease. Therefore, it has been classified as a Variant of Uncertain Significance.

NM_198253.3(TERT):c.3299A>G (p.Gln1100Arg)

Gene: TERT (telomerase reverse transcriptase; minus strand). Cytogenetic location: 5p15.33.
Variant type: single nucleotide variant.
Coding change: c.3299A>G on transcript NM_198253.3 (MANE Select); coding-DNA position 3299, A replaced by G.
Protein change: p.Gln1100Arg; replaces glutamine 1100 with arginine.
Molecular consequence: missense variant. On other transcripts: non-coding transcript variant (2).
Genome position (GRCh38, 1-based): chr5:1,253,828, T>C on the plus strand (A>G on the coding strand, the complement: TERT is on the minus strand). VCF-style: chr5-1253828-T-C. GRCh37 (hg19) VCF-style: chr5-1253943-T-C.
Other names: c.3110A>G, p.Gln1037Arg (NM_001193376.3); c.3299A>G, p.Gln1100Arg (NM_003219.1); short protein forms Q1100R, Q1037R.
Identifiers: ClinVar variation 1995991 (VCV001995991.4), dbSNP rs2478067481, ClinGen allele CA359066928.